The following is an entry in ClinVar:

ClinVar aggregate classification (germline): Uncertain significance (1 of 4 stars; one submission).

Conditions:
Hereditary cancer-predisposing syndrome. Also called: Hereditary neoplastic syndrome; Neoplastic Syndromes, Hereditary; Tumor predisposition; Hereditary Cancer Syndrome. Identifiers: Orphanet 140162, MedGen C0027672, MeSH D009386, MONDO:0015356.

Submission:

Ambry Genetics
Classification: Uncertain significance for Hereditary cancer-predisposing syndrome. Last evaluated: 2025-08-01. Review status: criteria provided, single submitter. Criteria: Ambry Variant Classification Scheme 2023. Collection method: clinical testing. Allele origin: germline.
Comment: The p.Y310S variant (also known as c.929A>C), located in coding exon 9 of the PMS2 gene, results from an A to C substitution at nucleotide position 929. The tyrosine at codon 310 is replaced by serine, an amino acid with dissimilar properties. This amino acid position is conserved. In addition, this alteration is predicted to be deleterious by in silico analysis. Based on the available evidence, the clinical significance of this variant remains unclear.

NM_000535.7(PMS2):c.929A>C (p.Tyr310Ser)

Gene: PMS2 (PMS1 homolog 2, mismatch repair system component; minus strand). Cytogenetic location: 7p22.1.
Variant type: single nucleotide variant.
Coding change: c.929A>C on transcript NM_000535.7 (MANE Select); coding-DNA position 929, A replaced by C.
Protein change: p.Tyr310Ser; replaces tyrosine 310 with serine.
Molecular consequence: missense variant. On other transcripts: 5 prime UTR variant (2), non-coding transcript variant (1), intron variant (1).
Genome position (GRCh38, 1-based): chr7:5,992,032, T>G on the plus strand (A>C on the coding strand, the complement: PMS2 is on the minus strand). VCF-style: chr7-5992032-T-G. GRCh37 (hg19) VCF-style: chr7-6031663-T-G.
Other names: c.524A>C, p.Tyr175Ser (NM_001406893.1, NM_001406894.1, NM_001406895.1 and 19 more transcripts); c.620A>C, p.Tyr207Ser (NM_001406900.1, NM_001322015.2, NM_001406875.1 and 6 more transcripts); c.611A>C, p.Tyr204Ser (NM_001406901.1, NM_001406883.1, NM_001406902.1 and 4 more transcripts); c.761A>C, p.Tyr254Ser (NM_001406884.1, NM_001406874.1); c.593A>C, p.Tyr198Ser (NM_001406885.1); c.563A>C, p.Tyr188Ser (NM_001406886.1); c.416A>C, p.Tyr139Ser (NM_001406904.1, NM_001406905.1); c.356A>C, p.Tyr119Ser (NM_001406909.1, NM_001322013.2); and 8 more; short protein forms Y119S, Y198S, Y274S, Y318S, Y372S, Y53S, Y207S, Y310S.
Identifiers: ClinVar variation 4140506 (VCV004140506.1).
Genomic context (GRCh38, chr7:5,992,032, plus strand): 5'-CCTGAATCAACAGAAATGTTAAGAACAACAAATGGATACTGGTGTCGATTATACATGTGG[T>G]AGACCTCATTCACGAGTCTGCAGACCTGCACAAAATACAAGGAGTAGAAAAGAATAAATG-3'
Protein context (NP_000526.2, residues 300-320): AKVCRLVNEV[Tyr310Ser]HMYNRHQYPF